The following is an entry in ClinVar:

ClinVar aggregate classification (germline): Uncertain significance (1 of 4 stars; one submission).

Allele frequency attached by ClinVar (database versions not stated): TOPMed below 0.00001; gnomAD 0.00001; gnomAD exomes 0.00001.
gnomAD v4.1: 7 of 1,613,800 alleles (0.00043%); highest among the groups gnomAD compares: Non-Finnish European, 0.00059%; no homozygotes.

Submission:

Labcorp Genetics (formerly Invitae), Labcorp
Classification: Uncertain significance. Last evaluated: 2024-09-02. Review status: criteria provided, single submitter. Criteria: Invitae Variant Classification Sherloc (09022015). Collection method: clinical testing. Allele origin: germline.
Comment: This sequence change replaces alanine, which is neutral and non-polar, with threonine, which is neutral and polar, at codon 691 of the COL2A1 protein (p.Ala691Thr). This variant is not present in population databases (gnomAD no frequency). This variant has not been reported in the literature in individuals affected with COL2A1-related conditions. ClinVar contains an entry for this variant (Variation ID: 1430453). Invitae Evidence Modeling of protein sequence and biophysical properties (such as structural, functional, and spatial information, amino acid conservation, physicochemical variation, residue mobility, and thermodynamic stability) indicates that this missense variant is not expected to disrupt COL2A1 protein function with a negative predictive value of 95%. In summary, the available evidence is currently insufficient to determine the role of this variant in disease. Therefore, it has been classified as a Variant of Uncertain Significance.

NM_001844.5(COL2A1):c.2071G>A (p.Ala691Thr)

Gene: COL2A1 (collagen type II alpha 1 chain; minus strand). Cytogenetic location: 12q13.11.
Variant type: single nucleotide variant.
Coding change: c.2071G>A on transcript NM_001844.5 (MANE Select); coding-DNA position 2071, G replaced by A.
Protein change: p.Ala691Thr; replaces alanine 691 with threonine.
Molecular consequence: missense variant.
Genome position (GRCh38, 1-based): chr12:47,983,116, C>T on the plus strand (G>A on the coding strand, the complement: COL2A1 is on the minus strand). VCF-style: chr12-47983116-C-T. GRCh37 (hg19) VCF-style: chr12-48376899-C-T.
Other names: c.1864G>A, p.Ala622Thr (NM_033150.3); short protein forms A691T, A622T.
Identifiers: ClinVar variation 1430453 (VCV001430453.6), dbSNP rs1250885285, ClinGen allele CA384547523.